The following is an entry in ClinVar:

NM_024408.4(NOTCH2):c.5311G>C (p.Ala1771Pro)

Gene: NOTCH2 (notch receptor 2; minus strand). Cytogenetic location: 1p12.
Variant type: single nucleotide variant.
Coding change: c.5311G>C on transcript NM_024408.4 (MANE Select); coding-DNA position 5311, G replaced by C.
Protein change: p.Ala1771Pro; replaces alanine 1771 with proline.
Molecular consequence: missense variant.
Genome position (GRCh38, 1-based): chr1:119,920,397, C>G on the plus strand (G>C on the coding strand, the complement: NOTCH2 is on the minus strand). VCF-style: chr1-119920397-C-G. GRCh37 (hg19) VCF-style: chr1-120463020-C-G.
Other names: short protein forms A1771P.
Identifiers: ClinVar variation 4803895 (VCV004803895.1).

ClinVar aggregate classification (germline): Uncertain significance (1 of 4 stars; one submission).

Conditions:
Hajdu-Cheney syndrome (HJCYS). Also called: ACROOSTEOLYSIS WITH OSTEOPOROSIS AND CHANGES IN SKULL AND MANDIBLE; SERPENTINE FIBULA-POLYCYSTIC KIDNEY SYNDROME; Acroosteolysis dominant type. Identifiers: Orphanet 955, MedGen C0917715, MONDO:0007057, OMIM 102500.

Submission:

Labcorp Genetics (formerly Invitae), Labcorp
Classification: Uncertain significance for Hajdu-Cheney syndrome. Last evaluated: 2025-06-30. Review status: criteria provided, single submitter. Criteria: Invitae Variant Classification Sherloc (09022015). Collection method: clinical testing. Allele origin: germline.
Comment: This sequence change replaces alanine, which is neutral and non-polar, with proline, which is neutral and non-polar, at codon 1771 of the NOTCH2 protein (p.Ala1771Pro). This variant is not present in population databases (gnomAD no frequency). This variant has not been reported in the literature in individuals affected with NOTCH2-related conditions. An algorithm developed to predict the effect of missense changes on protein structure and function (PolyPhen-2) suggests that this variant is likely to be tolerated. In summary, the available evidence is currently insufficient to determine the role of this variant in disease. Therefore, it has been classified as a Variant of Uncertain Significance.